The following is an entry in ClinVar:

ClinVar aggregate classification (germline): Uncertain significance (1 of 4 stars; one submission).

Conditions:
Renal cell carcinoma. Identifiers: Orphanet 217071, MedGen C0007134, MeSH D002292, MONDO:0005086, HP:0005584.

Submission:

Labcorp Genetics (formerly Invitae), Labcorp
Classification: Uncertain significance for Renal cell carcinoma. Last evaluated: 2023-10-28. Review status: criteria provided, single submitter. Criteria: Invitae Variant Classification Sherloc (09022015). Collection method: clinical testing. Allele origin: germline.
Comment: This sequence change replaces glutamine, which is neutral and polar, with histidine, which is basic and polar, at codon 1205 of the MET protein (p.Gln1205His). This variant is not present in population databases (gnomAD no frequency). This variant has not been reported in the literature in individuals affected with MET-related conditions. Advanced modeling of protein sequence and biophysical properties (such as structural, functional, and spatial information, amino acid conservation, physicochemical variation, residue mobility, and thermodynamic stability) performed at Invitae indicates that this missense variant is not expected to disrupt MET protein function with a negative predictive value of 80%. In summary, the available evidence is currently insufficient to determine the role of this variant in disease. Therefore, it has been classified as a Variant of Uncertain Significance.

NM_000245.4(MET):c.3561A>T (p.Gln1187His)

Gene: MET (MET proto-oncogene, receptor tyrosine kinase; plus strand). Cytogenetic location: 7q31.2.
Variant type: single nucleotide variant.
Coding change: c.3561A>T on transcript NM_000245.4 (MANE Select); coding-DNA position 3561, A replaced by T.
Protein change: p.Gln1187His; replaces glutamine 1187 with histidine.
Molecular consequence: missense variant.
Genome position (GRCh38, 1-based): chr7:116,782,026, A>T. VCF-style: chr7-116782026-A-T. GRCh37 (hg19) VCF-style: chr7-116422080-A-T.
Other names: c.3615A>T, p.Gln1205His (NM_001127500.3); c.2271A>T, p.Gln757His (NM_001324402.2); short protein forms Q1187H, Q1205H, Q757H.
Identifiers: ClinVar variation 2772320 (VCV002772320.3), dbSNP rs2117059827, ClinGen allele CA368990987.